The following is an entry in ClinVar:

NM_001375765.1(GIGYF1):c.2189A>G (p.Lys730Arg)

Gene: GIGYF1 (GRB10 interacting GYF protein 1; minus strand). Cytogenetic location: 7q22.1.
Variant type: single nucleotide variant.
Coding change: c.2189A>G on transcript NM_001375765.1 (MANE Select); coding-DNA position 2189, A replaced by G.
Protein change: p.Lys730Arg; replaces lysine 730 with arginine.
Molecular consequence: missense variant. On other transcripts: non-coding transcript variant (1).
Genome position (GRCh38, 1-based): chr7:100,683,308, T>C on the plus strand (A>G on the coding strand, the complement: GIGYF1 is on the minus strand). VCF-style: chr7-100683308-T-C. GRCh37 (hg19) VCF-style: chr7-100280931-T-C.
Other names: c.2189A>G, p.Lys730Arg (NM_001375759.1, NM_001375760.1, NM_001375761.1 and 6 more transcripts); short protein forms K730R.
Identifiers: ClinVar variation 5020730 (VCV005020730.1).
Genomic context (GRCh38, chr7:100,683,308, plus strand): 5'-TGAGGGGACCTGGCGAGGGTTGTCCACCCAGCCAGCTGAGGCTTGGGAGCACCCACGTGC[T>C]TGCGCCGAAACAGCTCTTCCTCCTCCTGCCGCCGCTTCTGCTCCTCCTGCTGCTGCTGGC-3'
Protein context (NP_001362694.1, residues 720-740): RQEEEELFRR[Lys730Arg]HVRQQELLLK

ClinVar aggregate classification (germline): Uncertain significance (1 of 4 stars; one submission).

Submission:

Dasa
Classification: Uncertain significance. Last evaluated: 2026-01-17. Review status: criteria provided, single submitter. Criteria: DASA Assertion Criteria. Collection method: clinical testing. Allele origin: germline.
Comment: NM_001375765.1(GIGYF1):c.2189A>G (p.Lys730Arg) is a missense variant that results in the substitution of lysine with arginine. This variant is rare in population databases. Computational prediction algorithms are consistent with a deleterious effect. The currently available literature and clinical evidence are not sufficient to establish a definitive association between this variant and the reported condition. Therefore, this variant is classified as a variant of uncertain significance.